The following is an entry in ClinVar:

NM_172362.3(KCNH1):c.1603C>T (p.Arg535Ter)

Gene: KCNH1 (potassium voltage-gated channel subfamily H member 1; minus strand). Cytogenetic location: 1q32.2.
Variant type: single nucleotide variant.
Coding change: c.1603C>T on transcript NM_172362.3 (MANE Select); coding-DNA position 1603, C replaced by T.
Protein change: p.Arg535Ter; replaces arginine 535 with a stop codon.
Molecular consequence: nonsense.
Genome position (GRCh38, 1-based): chr1:210,804,026, G>A on the plus strand (C>T on the coding strand, the complement: KCNH1 is on the minus strand). VCF-style: chr1-210804026-G-A. GRCh37 (hg19) VCF-style: chr1-210977368-G-A.
Other names: c.1522C>T, p.Arg508Ter (NM_002238.4); short protein forms R508*, R535*.
Identifiers: ClinVar variation 3676202 (VCV003676202.2).

ClinVar aggregate classification (germline): Uncertain significance (1 of 4 stars; one submission).

gnomAD v4.1: 1 of 1,614,012 alleles (0.000062%); highest among the groups gnomAD compares: Admixed American, 0.0017%; no homozygotes.

Submission:

Labcorp Genetics (formerly Invitae), Labcorp
Classification: Uncertain significance. Last evaluated: 2024-11-06. Review status: criteria provided, single submitter. Criteria: Invitae Variant Classification Sherloc (09022015). Collection method: clinical testing. Allele origin: germline.
Comment: This sequence change creates a premature translational stop signal (p.Arg535*) in the KCNH1 gene. It is expected to result in an absent or disrupted protein product. However, the current clinical and genetic evidence is not sufficient to establish whether loss-of-function variants in KCNH1 cause disease. This variant is not present in population databases (gnomAD no frequency). This premature translational stop signal has been observed in individual(s) with clinical features of KCNH1-related conditions (PMID: 33494179). Algorithms developed to predict the effect of sequence changes on RNA splicing suggest that this variant may disrupt the consensus splice site. In summary, the available evidence is currently insufficient to determine the role of this variant in disease. Therefore, it has been classified as a Variant of Uncertain Significance.

Literature cited by the submitters: PubMed 33494179.